The following is an entry in ClinVar:

NM_002458.3(MUC5B):c.15218-4G>A

Gene: MUC5B (mucin 5B, oligomeric mucus/gel-forming; plus strand). Cytogenetic location: 11p15.5.
Variant type: single nucleotide variant.
Coding change: c.15218-4G>A on transcript NM_002458.3 (MANE Select); 4 bases into the intron before coding-DNA position 15218, G replaced by A.
Molecular consequence: intron variant.
Genome position (GRCh38, 1-based): chr11:1,254,088, G>A. VCF-style: chr11-1254088-G-A. GRCh37 (hg19) VCF-style: chr11-1275318-G-A.
Identifiers: ClinVar variation 178791 (VCV000178791.5), dbSNP rs117860519, ClinGen allele CA183045.

ClinVar aggregate classification (germline): Benign. Review status: criteria provided, multiple submitters, no conflicts (2 of 4 stars). 2 submissions from 2 submitters: Benign (2). Last evaluated 2013-02-21.

Allele frequency attached by ClinVar (database versions not stated): TOPMed 0.02050; ESP Exome Variant Server 0.02728; ExAC 0.03150; 1000 Genomes Project 30x 0.01499; 1000 Genomes Project 0.01518; gnomAD 0.02569 and 0.02661; gnomAD exomes 0.02675 and 0.03029.
gnomAD v4.1: 47,889 of 1,610,218 alleles (3%); highest among the groups gnomAD compares: Non-Finnish European, 3.3%; 902 homozygotes.

Submissions (2):

Laboratory for Molecular Medicine, Mass General Brigham Personalized Medicine
Classification: Benign. Last evaluated: 2013-02-21. Review status: criteria provided, single submitter. Criteria: LMM Criteria. Collection method: clinical testing. Allele origin: germline. Observed: 7 variant alleles.
Comment: 15218-4G>A in intron 33 of MUC5B: This variant is not expected to have clinical significance because it is not located within the conserved splice consensus seq uence. It has been identified in 3.2% (268/8444) of European American chromosome s from a broad population by the NHLBI Exome Sequencing Project (dbSNP rs117860519).

Breakthrough Genomics
Classification: Benign. Review status: criteria provided, single submitter. Criteria: ACMG Guidelines, 2015. Collection method: not provided. Allele origin: germline. Inheritance: Autosomal dominant inheritance. Affected: yes.